The following is an entry in ClinVar:

ClinVar aggregate classification (germline): Likely benign (1 of 4 stars; one submission).

Conditions:
Tyrosinase-positive oculocutaneous albinism (OCA2). Also called: Albinism, oculocutaneous, type II; ALBINISM II; Oculocutaneous albinism type 2. Identifiers: Orphanet 79432, MedGen C0268495, MONDO:0008746, OMIM 203200.

Allele frequency attached by ClinVar (database versions not stated): gnomAD 0.00042 and 0.00056; TOPMed 0.00062; gnomAD exomes 0.00072; 1000 Genomes Project 30x 0.00250; 1000 Genomes Project 0.00260.
gnomAD v4.1: 284 of 427,592 alleles (0.066%); highest among the groups gnomAD compares: East Asian, 1.2%; 1 homozygote.

Submission:

Illumina Laboratory Services, Illumina
Classification: Likely benign for Tyrosinase-positive oculocutaneous albinism. Last evaluated: 2017-04-27. Review status: criteria provided, single submitter. Criteria: ICSL Variant Classification Criteria 13 December 2019. Collection method: clinical testing. Allele origin: germline.
Comment: This variant was observed as part of a predisposition screen in an ostensibly healthy population. A literature search was performed for the gene, cDNA change, and amino acid change (where applicable). Publications were found based on this search. The evidence from the literature, in combination with allele frequency data from public databases where available, was sufficient to determine this variant is unlikely to cause disease. Therefore, this variant is classified as likely benign.

Literature cited by the submitters: PubMed 25060099.

NM_000275.3(OCA2):c.*271G>A

Gene: OCA2 (OCA2 melanosomal transmembrane protein; minus strand). Cytogenetic location: 15q12.
Variant type: single nucleotide variant.
Coding change: c.*271G>A on transcript NM_000275.3 (MANE Select); 271 bases downstream of the stop codon, G replaced by A.
Molecular consequence: 3 prime UTR variant.
Genome position (GRCh38, 1-based): chr15:27,755,117, C>T on the plus strand (G>A on the coding strand, the complement: OCA2 is on the minus strand). VCF-style: chr15-27755117-C-T. GRCh37 (hg19) VCF-style: chr15-28000263-C-T.
Other names: c.*271G>A (NM_001300984.2).
Identifiers: ClinVar variation 888267 (VCV000888267.4), dbSNP rs151210258, ClinGen allele CA268293896.